The following is an entry in ClinVar:

NM_004958.4(MTOR):c.5375C>T (p.Ala1792Val)

Gene: MTOR (mechanistic target of rapamycin kinase; minus strand). Cytogenetic location: 1p36.22.
Variant type: single nucleotide variant.
Coding change: c.5375C>T on transcript NM_004958.4 (MANE Select); coding-DNA position 5375, C replaced by T.
Protein change: p.Ala1792Val; replaces alanine 1792 with valine.
Molecular consequence: missense variant.
Genome position (GRCh38, 1-based): chr1:11,130,767, G>A on the plus strand (C>T on the coding strand, the complement: MTOR is on the minus strand). VCF-style: chr1-11130767-G-A. GRCh37 (hg19) VCF-style: chr1-11190824-G-A.
Other names: c.5375C>T, p.Ala1792Val (NM_001386500.1); c.4127C>T, p.Ala1376Val (NM_001386501.1); short protein forms A1376V, A1792V.
Identifiers: ClinVar variation 2884196 (VCV002884196.4), dbSNP rs868040471, ClinGen allele CA17943860.

ClinVar aggregate classification (germline): Uncertain significance. Review status: criteria provided, multiple submitters, no conflicts (2 of 4 stars). 2 submissions from 2 submitters: Uncertain significance (2). Last evaluated 2024-12-23.

Conditions:
Isolated focal cortical dysplasia type II (FCORD2). Also called: Focal cortical dysplasia type II; CORTICAL DYSPLASIA OF TAYLOR. Identifiers: Orphanet 268994, MedGen C1846385, MONDO:0011818, OMIM 607341, HP:0032051.

Allele frequency attached by ClinVar (database versions not stated): gnomAD exomes below 0.00001; gnomAD 0.00002; TOPMed 0.00002.
gnomAD v4.1: 7 of 1,567,314 alleles (0.00045%); highest among the groups gnomAD compares: African/African-American, 0.004%; no homozygotes.

Submissions (2):

Clinical Genomics Laboratory, Washington University in St. Louis
Classification: Uncertain significance for Isolated focal cortical dysplasia type II. Last evaluated: 2024-12-23. Review status: criteria provided, single submitter. Criteria: Leon-Quintero et al. (Clin Genet. 2025). Collection method: clinical testing. Allele origin: somatic.
Comment: An MTOR c.5375C>T (p.Ala1792Val) variant was identified at an allelic fraction consistent with somatic origin. This variant, to our knowledge has not been reported in the literature in individuals with brain phenotypes, but has been reported in colon cancer (COSMIC database Genomic mutation ID: COSV63868624; Seshagiri S et al., PMID: 22895193). It has also been reported in the ClinVar database as a germline variant of uncertain significance by one submitter (ClinVar variation ID: 2884196). The MTOR c.5375C>T (p.Ala1792Val) variant occurs on 7/1,567,314 alleles in the general population (gnomAD v.4.1.0.). It resides within a region, the kinase domain, of MTOR that is defined as a critical functional domain (Murugan AK et al., PMID: 23322780; Xu J et al., PMID: 27482884). Computational predictors indicate that the variant is damaging, evidence that correlates with impact to MTOR function. The MTOR gene is defined by the ClinGen Brain Malformation variant curation expert panel, as a gene that has a low rate of benign missense variation and where pathogenic missense variants are a common mechanism of disease (Lai A et al., PMID: 35997716). Due to limited information, and based on internally developed protocol informed by the ACMG/AMP guidelines for variant interpretation and gene-specific practices from the ClinGen Criteria Specification Registry (Leon-Quintero FZ et al., PMID: 39434542), the MTOR c.5375C>T (p.Ala1792Val) variant is classified as a variant of uncertain significance.

Labcorp Genetics (formerly Invitae), Labcorp
Classification: Uncertain significance. Last evaluated: 2024-04-25. Review status: criteria provided, single submitter. Criteria: Invitae Variant Classification Sherloc (09022015). Collection method: clinical testing. Allele origin: germline.
Comment: This sequence change replaces alanine, which is neutral and non-polar, with valine, which is neutral and non-polar, at codon 1792 of the MTOR protein (p.Ala1792Val). This variant is not present in population databases (gnomAD no frequency). This variant has not been reported in the literature in individuals affected with MTOR-related conditions. Advanced modeling of protein sequence and biophysical properties (such as structural, functional, and spatial information, amino acid conservation, physicochemical variation, residue mobility, and thermodynamic stability) performed at Invitae indicates that this missense variant is not expected to disrupt MTOR protein function with a negative predictive value of 95%. In summary, the available evidence is currently insufficient to determine the role of this variant in disease. Therefore, it has been classified as a Variant of Uncertain Significance.